The following is an entry in ClinVar:

ClinVar aggregate classification (germline): other (0 of 4 stars; one submission).

Conditions:
Familial colorectal cancer. Identifiers: MedGen CN280943, MONDO:0023113. Disease mechanism: loss of function.

Submission:

Systems Biology Platform Zhejiang California International NanoSystems Institute
Classification: other for Familial colorectal cancer. Review status: no assertion criteria provided. Collection method: not provided. Allele origin: unknown.
ClinVar note: Converted during submission from cancer to other.

NM_000038.6(APC):c.835-6252A>C

Gene: APC (APC regulator of WNT signaling pathway; plus strand). Cytogenetic location: 5q22.2.
Variant type: single nucleotide variant.
Coding change: c.835-6252A>C on transcript NM_000038.6 (MANE Select); 6252 bases into the intron before coding-DNA position 835, A replaced by C.
Molecular consequence: intron variant.
Genome position (GRCh38, 1-based): chr5:112,809,243, A>C. VCF-style: chr5-112809243-A-C. GRCh37 (hg19) VCF-style: chr5-112144940-A-C.
Other names: c.835-6252A>C (NM_001354895.2, NM_001127510.3, NM_001354896.2 and 1 more transcripts); c.865-6252A>C (NM_001354897.2, NM_001354902.2); c.781-6252A>C (NM_001127511.3); c.760-6252A>C (NM_001354898.2, NM_001354904.2); c.-201-883A>C (NM_001354906.2); c.751-6252A>C (NM_001354899.2); c.658-6252A>C (NM_001354900.2, NM_001354901.2, NM_001354905.2).
Identifiers: ClinVar variation 82540 (VCV000082540.2), dbSNP rs78427122, ClinGen allele CA015339.